The following is an entry in ClinVar:

ClinVar aggregate classification (germline): Uncertain significance (1 of 4 stars; one submission).

gnomAD v4.1: 35 of 1,613,912 alleles (0.0022%); highest among the groups gnomAD compares: Non-Finnish European, 0.0029%; no homozygotes.

Submission:

Women's Health and Genetics/Laboratory Corporation of America, LabCorp
Classification: Uncertain significance. Last evaluated: 2026-06-24. Review status: criteria provided, single submitter. Criteria: LabCorp Variant Classification Summary - May 2015. Collection method: clinical testing. Allele origin: germline.
Comment: Variant summary: SYNE1 c.9707A>G (p.Gln3236Arg) results in a conservative amino acid change in the encoded protein sequence. Algorithms developed to predict the effect of missense changes on protein structure and function are either unavailable or do not agree on the potential impact of this missense change. The variant allele was found at a frequency of 4e-06 in 251078 control chromosomes. The available data on variant occurrences in the general population are insufficient to allow any conclusion about variant significance. To our knowledge, no occurrence of c.9707A>G in individuals affected with SYNE1-related conditions and no experimental evidence demonstrating its impact on protein function have been reported. No submitters have cited clinical-significance assessments for this variant to ClinVar. Based on the evidence outlined above, the variant was classified as uncertain significance.

NM_182961.4(SYNE1):c.9686A>G (p.Gln3229Arg)

Gene: SYNE1 (spectrin repeat containing nuclear envelope protein 1; minus strand). Cytogenetic location: 6q25.2.
Variant type: single nucleotide variant.
Coding change: c.9686A>G on transcript NM_182961.4 (MANE Select); coding-DNA position 9686, A replaced by G.
Protein change: p.Gln3229Arg; replaces glutamine 3229 with arginine.
Molecular consequence: missense variant.
Genome position (GRCh38, 1-based): chr6:152,369,093, T>C on the plus strand (A>G on the coding strand, the complement: SYNE1 is on the minus strand). VCF-style: chr6-152369093-T-C. GRCh37 (hg19) VCF-style: chr6-152690228-T-C.
Other names: c.9707A>G, p.Gln3236Arg (NM_033071.5); short protein forms Q3229R, Q3236R.
Identifiers: ClinVar variation 4887721 (VCV004887721.1).